The following is an entry in ClinVar:

NM_024105.4(ALG12):c.294A>G (p.Ile98Met)

Gene: ALG12 (ALG12 alpha-1,6-mannosyltransferase; minus strand). Cytogenetic location: 22q13.33.
Variant type: single nucleotide variant.
Coding change: c.294A>G on transcript NM_024105.4 (MANE Select); coding-DNA position 294, A replaced by G.
Protein change: p.Ile98Met; replaces isoleucine 98 with methionine.
Molecular consequence: missense variant.
Genome position (GRCh38, 1-based): chr22:49,913,386, T>C on the plus strand (A>G on the coding strand, the complement: ALG12 is on the minus strand). VCF-style: chr22-49913386-T-C. GRCh37 (hg19) VCF-style: chr22-50307034-T-C.
Other names: short protein forms I98M.
Identifiers: ClinVar variation 2183600 (VCV002183600.3), dbSNP rs946374283, ClinGen allele CA325433323.

ClinVar aggregate classification (germline): Uncertain significance (1 of 4 stars; one submission).

Conditions:
ALG12-congenital disorder of glycosylation (CDG1G). Also called: Congenital disorder of glycosylation, type Ig; CDG Ig; ALG12-CDG. Identifiers: Orphanet 79324, MedGen C2931001, MONDO:0011783, OMIM 607143.

Allele frequency attached by ClinVar (database versions not stated): gnomAD exomes below 0.00001; gnomAD 0.00001; TOPMed 0.00001.
gnomAD v4.1: 6 of 1,613,706 alleles (0.00037%); highest among the groups gnomAD compares: Non-Finnish European, 0.00051%; no homozygotes.

Submission:

Labcorp Genetics (formerly Invitae), Labcorp
Classification: Uncertain significance for ALG12-congenital disorder of glycosylation. Last evaluated: 2022-04-25. Review status: criteria provided, single submitter. Criteria: Invitae Variant Classification Sherloc (09022015). Collection method: clinical testing. Allele origin: germline.
Comment: Algorithms developed to predict the effect of missense changes on protein structure and function are either unavailable or do not agree on the potential impact of this missense change (SIFT: "Deleterious"; PolyPhen-2: "Benign"; Align-GVGD: "Class C0"). In summary, the available evidence is currently insufficient to determine the role of this variant in disease. Therefore, it has been classified as a Variant of Uncertain Significance. This variant has not been reported in the literature in individuals affected with ALG12-related conditions. This variant is present in population databases (no rsID available, gnomAD 0.007%). This sequence change replaces isoleucine, which is neutral and non-polar, with methionine, which is neutral and non-polar, at codon 98 of the ALG12 protein (p.Ile98Met).